The following is an entry in ClinVar:

ClinVar aggregate classification (germline): Uncertain significance (1 of 4 stars; one submission).

gnomAD v4.1: 1 of 150,782 alleles (0.00066%); highest among the groups gnomAD compares: Admixed American, 0.0066%; no homozygotes.

Submission:

Greenwood Genetic Center Diagnostic Laboratories, Greenwood Genetic Center
Classification: Uncertain significance. Last evaluated: 2025-12-31. Review status: criteria provided, single submitter. Criteria: ACMG Guidelines, 2015. Collection method: clinical testing. Allele origin: germline. Affected: yes.
Comment: PM2, BP4

NM_001384732.1(CPLANE1):c.3811+2710C>T

Gene: CPLANE1 (ciliogenesis and planar polarity effector complex subunit 1; minus strand). Cytogenetic location: 5p13.2.
Variant type: single nucleotide variant.
Coding change: c.3811+2710C>T on transcript NM_001384732.1 (MANE Select); 2710 bases into the intron after coding-DNA position 3811, C replaced by T.
Molecular consequence: intron variant.
Genome position (GRCh38, 1-based): chr5:37,193,148, G>A on the plus strand (C>T on the coding strand, the complement: CPLANE1 is on the minus strand). VCF-style: chr5-37193148-G-A. GRCh37 (hg19) VCF-style: chr5-37193250-G-A.
Other names: c.3811+2710C>T (NM_023073.4).
Identifiers: ClinVar variation 4845569 (VCV004845569.1).